The following is an entry in ClinVar:

ClinVar aggregate classification (germline): Likely pathogenic (1 of 4 stars; one submission).

Submission:

GeneDx
Classification: Likely pathogenic. Last evaluated: 2024-06-17. Review status: criteria provided, single submitter. Criteria: GeneDx Variant Classification Process June 2021. Collection method: clinical testing. Allele origin: germline. Affected: yes.
Comment: In-frame deletion of 1 amino acid in a non-repeat region; Not observed at significant frequency in large population cohorts (gnomAD); In silico analysis supports a deleterious effect on protein structure/function; This variant is associated with the following publications: (PMID: 24125834, 31402444)

NM_001005242.3(PKP2):c.1537_1539del (p.Asn513del)

Gene: PKP2 (plakophilin 2; minus strand). Cytogenetic location: 12p11.21.
Variant type: Deletion.
Coding change: c.1537_1539del on transcript NM_001005242.3 (MANE Select); coding-DNA positions 1537 to 1539, 3 bases deleted (AAC; older notation c.1537_1539delAAC).
Protein change: p.Asn513del; deletes asparagine 513.
Molecular consequence: inframe indel (on NM_004572.3).
Genome position (GRCh38, 1-based): chr12:32,841,045-32,841,047, GTT deleted on the plus strand (AAC on the coding strand, the reverse complement: PKP2 is on the minus strand); deleting any 3 consecutive bases within chr12:32,841,045-32,841,049 gives the same sequence; the c. name uses the placement nearest the transcript's 3' end. VCF-style (leftmost placement, unchanged base first): chr12-32841044-CGTT-C. GRCh37 (hg19) VCF-style: chr12-32993978-CGTT-C.
Other names: c.1537_1539del, p.Asn513del (NM_001407155.1, NM_001407156.1, NM_001407161.1); c.1669_1671del, p.Asn557del (NM_001407157.1, NM_004572.4); c.1210_1212del, p.Asn404del (NM_001407158.1, NM_001407159.1, NM_001407160.1 and 1 more transcripts); c.1667_1669delACA, p.Asn557del (NM_004572.3); short protein forms N404del, N513del, N557del.
Identifiers: ClinVar variation 3391472 (VCV003391472.1).